The following is an entry in ClinVar:

ClinVar aggregate classification (germline): Uncertain significance (1 of 4 stars; one submission).

Submission:

GeneDx
Classification: Uncertain significance. Last evaluated: 2025-06-24. Review status: criteria provided, single submitter. Criteria: GeneDx Variant Classification Process June 2021. Collection method: clinical testing. Allele origin: germline. Affected: yes.
Comment: Has not been previously published as pathogenic or benign to our knowledge; Located in a regulatory region; in the absence of functional studies, the actual effect of this sequence change is unknown

NM_000515.5(GH1):c.-3G>A

Genes: GH-LCR (growth hormone locus control region; plus strand), GH1 (growth hormone 1; minus strand). Cytogenetic location: 17q23.3.
Variant type: single nucleotide variant.
Coding change: c.-3G>A on transcript NM_000515.5 (MANE Select); 3 bases upstream of the start codon, G replaced by A.
Molecular consequence: 5 prime UTR variant.
Genome position (GRCh38, 1-based): chr17:63,918,779, C>T on the plus strand (G>A on the coding strand, the complement: GH1 is on the minus strand). VCF-style: chr17-63918779-C-T. GRCh37 (hg19) VCF-style: chr17-61996139-C-T.
Other names: c.-3G>A (NM_022559.4, NM_022560.4).
Identifiers: ClinVar variation 4539997 (VCV004539997.1).